The following is an entry in ClinVar:

NM_000089.4(COL1A2):c.1789A>G (p.Ser597Gly)

Gene: COL1A2 (collagen type I alpha 2 chain; plus strand). Cytogenetic location: 7q21.3.
Variant type: single nucleotide variant.
Coding change: c.1789A>G on transcript NM_000089.4 (MANE Select); coding-DNA position 1789, A replaced by G.
Protein change: p.Ser597Gly; replaces serine 597 with glycine.
Molecular consequence: missense variant.
Genome position (GRCh38, 1-based): chr7:94,416,429, A>G. VCF-style: chr7-94416429-A-G. GRCh37 (hg19) VCF-style: chr7-94045741-A-G.
Other names: short protein forms S597G.
Identifiers: ClinVar variation 2928967 (VCV002928967.3), dbSNP rs759411309, ClinGen allele CA4347206.
Genomic context (GRCh38, chr7:94,416,429, plus strand): 5'-GAATGGTGCAACACTTCTTCTAATCACTTTTTTCAGGGGGAACGCGGTCCCCCAGGTGAG[A>G]GTGGTGCTGCCGGTCCTACTGGTCCTATTGGAAGCCGAGGTCCTTCTGGACCCCCAGGGC-3'
Protein context (NP_000080.2, residues 587-607): PRGERGPPGE[Ser597Gly]GAAGPTGPIG

ClinVar aggregate classification (germline): Uncertain significance (1 of 4 stars; one submission).

Conditions:
Osteogenesis imperfecta type I (OI1). Also called: Lobstein disease; OI, TYPE I; OSTEOGENESIS IMPERFECTA TARDA; OSTEOGENESIS IMPERFECTA WITH BLUE SCLERAE; Osteogenesis imperfecta type 1; Lobstein's Disease. Identifiers: Orphanet 216796, Orphanet 666, MedGen C0023931, MONDO:0008146, OMIM 166200. Disease mechanism: loss of function.
Ehlers-Danlos syndrome, classic type, 1 (EDSCL1). Also called: EDS I; EHLERS-DANLOS SYNDROME, GRAVIS TYPE; EHLERS-DANLOS SYNDROME, SEVERE CLASSIC TYPE; Ehlers-Danlos syndrome, type 1; Ehlers-Danlos Syndrome, Classic Type, COL5A1-Related. Identifiers: MedGen C0268335, MONDO:0019567, OMIM 130000.

Allele frequency attached by ClinVar (database versions not stated): ExAC 0.00003; gnomAD exomes 0.00001.

Submission:

Labcorp Genetics (formerly Invitae), Labcorp
Classification: Uncertain significance for Osteogenesis imperfecta type I; Ehlers-Danlos syndrome, classic type, 1. Last evaluated: 2024-11-04. Review status: criteria provided, single submitter. Criteria: Invitae Variant Classification Sherloc (09022015). Collection method: clinical testing. Allele origin: germline.
Comment: This sequence change replaces serine, which is neutral and polar, with glycine, which is neutral and non-polar, at codon 597 of the COL1A2 protein (p.Ser597Gly). The frequency data for this variant in the population databases is considered unreliable, as metrics indicate poor data quality at this position in the gnomAD database. This variant has not been reported in the literature in individuals affected with COL1A2-related conditions. ClinVar contains an entry for this variant (Variation ID: 2928967). Invitae Evidence Modeling of protein sequence and biophysical properties (such as structural, functional, and spatial information, amino acid conservation, physicochemical variation, residue mobility, and thermodynamic stability) has been performed for this missense variant. However, the output from this modeling did not meet the statistical confidence thresholds required to predict the impact of this variant on COL1A2 protein function. In summary, the available evidence is currently insufficient to determine the role of this variant in disease. Therefore, it has been classified as a Variant of Uncertain Significance.